The following is an entry in ClinVar:

NM_130466.4(UBE3B):c.158T>C (p.Ile53Thr)

Gene: UBE3B (ubiquitin protein ligase E3B; plus strand). Cytogenetic location: 12q24.11.
Variant type: single nucleotide variant.
Coding change: c.158T>C on transcript NM_130466.4 (MANE Select); coding-DNA position 158, T replaced by C.
Protein change: p.Ile53Thr; replaces isoleucine 53 with threonine.
Molecular consequence: missense variant.
Genome position (GRCh38, 1-based): chr12:109,483,709, T>C. VCF-style: chr12-109483709-T-C. GRCh37 (hg19) VCF-style: chr12-109921514-T-C.
Other names: c.158T>C (NM_130466.2); c.158T>C, p.Ile53Thr (NM_001270449.2, NM_001270450.2, NM_001270451.2 and 1 more transcripts); short protein forms I53T.
Identifiers: ClinVar variation 2047910 (VCV002047910.4), dbSNP rs770898948, ClinGen allele CA6777396.

ClinVar aggregate classification (germline): Uncertain significance. Review status: criteria provided, multiple submitters, no conflicts (2 of 4 stars). 2 submissions from 2 submitters: Uncertain significance (2). Last evaluated 2025-08-23.

Conditions:
Inborn genetic diseases. Identifiers: MedGen C0950123, MeSH D030342.

Allele frequency attached by ClinVar (database versions not stated): TOPMed 0.00002; ExAC 0.00004; gnomAD 0.00003.
gnomAD v4.1: 28 of 1,601,142 alleles (0.0017%); highest among the groups gnomAD compares: Middle Eastern, 0.017%; no homozygotes.

Submissions (2):

Ambry Genetics
Classification: Uncertain significance for Inborn genetic diseases. Last evaluated: 2025-08-23. Review status: criteria provided, single submitter. Criteria: Ambry Variant Classification Scheme 2023. Collection method: clinical testing. Allele origin: germline.

Labcorp Genetics (formerly Invitae), Labcorp
Classification: Uncertain significance. Last evaluated: 2024-10-22. Review status: criteria provided, single submitter. Criteria: Invitae Variant Classification Sherloc (09022015). Collection method: clinical testing. Allele origin: germline.
Comment: This sequence change replaces isoleucine, which is neutral and non-polar, with threonine, which is neutral and polar, at codon 53 of the UBE3B protein (p.Ile53Thr). This variant is present in population databases (rs770898948, gnomAD 0.01%). This variant has not been reported in the literature in individuals affected with UBE3B-related conditions. ClinVar contains an entry for this variant (Variation ID: 2047910). Invitae Evidence Modeling of protein sequence and biophysical properties (such as structural, functional, and spatial information, amino acid conservation, physicochemical variation, residue mobility, and thermodynamic stability) indicates that this missense variant is not expected to disrupt UBE3B protein function with a negative predictive value of 80%. In summary, the available evidence is currently insufficient to determine the role of this variant in disease. Therefore, it has been classified as a Variant of Uncertain Significance.